The following is an entry in ClinVar:

NM_001256447.2(BCAP31):c.81T>C (p.Ile27=)

Gene: BCAP31 (B cell receptor associated protein 31; minus strand). Cytogenetic location: Xq28.
Variant type: single nucleotide variant.
Coding change: c.81T>C on transcript NM_001256447.2 (MANE Select); coding-DNA position 81, T replaced by C.
Protein change: p.Ile27=; no amino-acid change (isoleucine 27 retained).
Molecular consequence: synonymous variant.
Genome position (GRCh38, 1-based): chrX:153,723,164, A>G on the plus strand (T>C on the coding strand, the complement: BCAP31 is on the minus strand). VCF-style: chrX-153723164-A-G. GRCh37 (hg19) VCF-style: chrX-152988619-A-G.
Other names: c.81T>C, p.Ile27= (NM_001139441.1, NM_005745.8); c.282T>C, p.Ile94= (NM_001139457.2).
Identifiers: ClinVar variation 1590324 (VCV001590324.33), dbSNP rs148588137, ClinGen allele CA10549851.

ClinVar aggregate classification (germline): Likely benign. Review status: criteria provided, multiple submitters, no conflicts (2 of 4 stars). 3 submissions from 3 submitters: Likely benign (2). 1 of the submissions does not count toward it. Last evaluated 2025-07-01.

Conditions:
BCAP31-related disorder. Also called: BCAP31-related condition.

Allele frequency attached by ClinVar (database versions not stated): gnomAD exomes 0.00006 and 0.00010; ExAC 0.00007; gnomAD 0.00008; TOPMed 0.00010; ESP Exome Variant Server 0.00019.
gnomAD v4.1: 83 of 1,208,011 alleles (0.0069%); highest among the groups gnomAD compares: Middle Eastern, 0.046%; no homozygotes.

Submissions (3):

CeGaT Center for Human Genetics Tuebingen
Classification: Likely benign. Last evaluated: 2025-07-01. Review status: criteria provided, single submitter. Criteria: CeGaT Center For Human Genetics Tuebingen Variant Classification Criteria Version 2. Collection method: clinical testing. Allele origin: germline. Affected: yes. Observed: 2 variant alleles.
Comment: BCAP31: BP4, BP7, BS2

Labcorp Genetics (formerly Invitae), Labcorp
Classification: Likely benign. Last evaluated: 2025-03-11. Review status: criteria provided, single submitter. Criteria: Invitae Variant Classification Sherloc (09022015). Collection method: clinical testing. Allele origin: germline.

PreventionGenetics, part of Exact Sciences
Classification: Likely benign for BCAP31-related condition. Last evaluated: 2019-03-05. Review status: no assertion criteria provided. Collection method: clinical testing. Allele origin: germline. Not counted in ClinVar's aggregate classification.
Comment: This variant is classified as likely benign based on ACMG/AMP sequence variant interpretation guidelines (Richards et al. 2015 PMID: 25741868, with internal and published modifications).